The following is an entry in ClinVar:

NM_001145304.2(IQCN):c.2155dup (p.Gln719fs)

Gene: IQCN (IQ motif containing N; minus strand). Cytogenetic location: 19p13.11.
Variant type: Duplication.
Coding change: c.2155dup on transcript NM_001145304.2 (MANE Select); coding-DNA position 2155, one base duplicated (C; older notation c.2155dupC).
Protein change: p.Gln719fs; shifts the reading frame from glutamine 719.
Molecular consequence: frameshift variant.
Genome position (GRCh38, 1-based): chr19:18,265,385, G duplicated on the plus strand (C on the coding strand, the reverse complement: IQCN is on the minus strand); the first of 3 consecutive G bases (chr19:18,265,385-18,265,387); duplicating any one gives the same sequence. VCF-style (leftmost placement, unchanged base first): chr19-18265384-T-TG. GRCh37 (hg19) VCF-style: chr19-18376194-T-TG.
Other names: c.2017dup, p.Gln673fs (NM_001145305.2); c.2155dup, p.Gln719fs (NM_025249.4); short protein forms Q673fs, Q719fs.
Identifiers: ClinVar variation 4854198 (VCV004854198.1).

ClinVar aggregate classification (germline): Likely pathogenic (1 of 4 stars; one submission).

Conditions:
Spermatogenic failure 78. Identifiers: MedGen C5774276, MONDO:0859338, OMIM 620170.

Submission:

3billion
Classification: Likely pathogenic for Spermatogenic failure 78. Last evaluated: 2025-05-20. Review status: criteria provided, single submitter. Criteria: ACMG Guidelines, 2015. Collection method: clinical testing. Allele origin: germline. Affected: yes.
Comment: The variant is not observed in the gnomAD v4.1.0 dataset. Predicted Consequence/Location: Frameshift: predicted to result in a loss or disruption of normal protein function through nonsense-mediated decay (NMD) or protein truncation. Multiple pathogenic variants are reported downstream of the variant. Therefore, this variant is classified as Likely pathogenic according to the recommendation of ACMG/AMP guideline.